The following is an entry in ClinVar:

NM_003072.5(SMARCA4):c.415C>T (p.Pro139Ser)

Gene: SMARCA4 (SWI/SNF related BAF chromatin remodeling complex subunit ATPase 4; plus strand). Cytogenetic location: 19p13.2.
Variant type: single nucleotide variant.
Coding change: c.415C>T on transcript NM_003072.5 (MANE Select); coding-DNA position 415, C replaced by T.
Protein change: p.Pro139Ser; replaces proline 139 with serine.
Molecular consequence: missense variant. On other transcripts: non-coding transcript variant (1).
Genome position (GRCh38, 1-based): chr19:10,986,248, C>T. VCF-style: chr19-10986248-C-T. GRCh37 (hg19) VCF-style: chr19-11096924-C-T.
Other names: c.415C>T, p.Pro139Ser (NM_001128844.3, NM_001128845.2, NM_001128846.2 and 4 more transcripts); short protein forms P139S.
Identifiers: ClinVar variation 824641 (VCV000824641.4), dbSNP rs1599949254, ClinGen allele CA404055874.
Genomic context (GRCh38, chr19:10,986,248, plus strand): 5'-GGTTACCCCTCGCCCCTGGGTGGCTCTGAGCATGCCTCTAGTCCAGTTCCAGCCAGTGGC[C>T]CGTCTTCGGGGCCCCAGATGTCTTCCGGGCCAGGAGGTGCCCCGCTGGATGGTGCTGACC-3'
Protein context (NP_003063.2, residues 129-149): HASSPVPASG[Pro139Ser]SSGPQMSSGP

ClinVar aggregate classification (germline): Uncertain significance (1 of 4 stars; one submission).

Conditions:
Hereditary cancer-predisposing syndrome. Also called: Neoplastic Syndromes, Hereditary; Tumor predisposition; Hereditary neoplastic syndrome; Hereditary Cancer Syndrome. Identifiers: Orphanet 140162, MedGen C0027672, MeSH D009386, MONDO:0015356.

Submission:

Ambry Genetics
Classification: Uncertain significance for Hereditary cancer-predisposing syndrome. Last evaluated: 2018-06-29. Review status: criteria provided, single submitter. Criteria: Ambry Variant Classification Scheme 2023. Collection method: clinical testing. Allele origin: germline.
Comment: The p.P139S variant (also known as c.415C>T), located in coding exon 3 of the SMARCA4 gene, results from a C to T substitution at nucleotide position 415. The proline at codon 139 is replaced by serine, an amino acid with similar properties. This amino acid position is highly conserved in available vertebrate species. In addition, the in silico prediction for this alteration is inconclusive. Since supporting evidence is limited at this time, the clinical significance of this alteration remains unclear.